The following is an entry in ClinVar:

NM_198859.4(PRICKLE2):c.680C>T (p.Thr227Ile)

Gene: PRICKLE2 (prickle planar cell polarity protein 2; minus strand). Cytogenetic location: 3p14.1.
Variant type: single nucleotide variant.
Coding change: c.680C>T on transcript NM_198859.4 (MANE Select); coding-DNA position 680, C replaced by T.
Protein change: p.Thr227Ile; replaces threonine 227 with isoleucine.
Molecular consequence: missense variant.
Genome position (GRCh38, 1-based): chr3:64,153,289, G>A on the plus strand (C>T on the coding strand, the complement: PRICKLE2 is on the minus strand). VCF-style: chr3-64153289-G-A. GRCh37 (hg19) VCF-style: chr3-64138965-G-A.
Other names: c.680C>T, p.Thr227Ile (NM_001370528.1); short protein forms T227I.
Identifiers: ClinVar variation 652551 (VCV000652551.8), dbSNP rs750828226, ClinGen allele CA2479769.

ClinVar aggregate classification (germline): Uncertain significance (1 of 4 stars; one submission).

Conditions:
Progressive myoclonic epilepsy type 5. Identifiers: Orphanet 402082, MedGen C5190799.

Allele frequency attached by ClinVar (database versions not stated): gnomAD exomes 0.00001; TOPMed 0.00001; ExAC 0.00002; gnomAD 0.00002 and 0.00003.
gnomAD v4.1: 22 of 1,614,070 alleles (0.0014%); highest among the groups gnomAD compares: Middle Eastern, 0.049%; no homozygotes.

Submission:

Labcorp Genetics (formerly Invitae), Labcorp
Classification: Uncertain significance for Progressive myoclonic epilepsy type 5. Last evaluated: 2025-08-11. Review status: criteria provided, single submitter. Criteria: Invitae Variant Classification Sherloc (09022015). Collection method: clinical testing. Allele origin: germline.
Comment: This sequence change replaces threonine, which is neutral and polar, with isoleucine, which is neutral and non-polar, at codon 227 of the PRICKLE2 protein (p.Thr227Ile). This variant is present in population databases (rs750828226, gnomAD 0.003%). This variant has not been reported in the literature in individuals affected with PRICKLE2-related conditions. ClinVar contains an entry for this variant (Variation ID: 652551). Invitae Evidence Modeling of protein sequence and biophysical properties (such as structural, functional, and spatial information, amino acid conservation, physicochemical variation, residue mobility, and thermodynamic stability) indicates that this missense variant is not expected to disrupt PRICKLE2 protein function with a negative predictive value of 80%. In summary, the available evidence is currently insufficient to determine the role of this variant in disease. Therefore, it has been classified as a Variant of Uncertain Significance.